The following is an entry in ClinVar:

ClinVar aggregate classification (germline): Uncertain significance (1 of 4 stars; one submission).

Conditions:
Pityriasis rubra pilaris (PRP). Also called: Pityriasis rubra pilaris--familial type. Identifiers: Orphanet 2897, MedGen C0032027, MONDO:0100017, OMIM 173200, MONDO:0008251.
Psoriasis 2. Identifiers: MedGen C1864497, MONDO:0011269, OMIM 602723.

Allele frequency attached by ClinVar (database versions not stated): TOPMed below 0.00001; gnomAD 0.00001; gnomAD exomes 0.00001.
gnomAD v4.1: 8 of 1,611,818 alleles (0.0005%); highest among the groups gnomAD compares: Non-Finnish European, 0.00068%; no homozygotes.

Submission:

Labcorp Genetics (formerly Invitae), Labcorp
Classification: Uncertain significance for Pityriasis rubra pilaris; Psoriasis 2. Last evaluated: 2024-04-25. Review status: criteria provided, single submitter. Criteria: Invitae Variant Classification Sherloc (09022015). Collection method: clinical testing. Allele origin: germline.
Comment: This sequence change replaces isoleucine, which is neutral and non-polar, with serine, which is neutral and polar, at codon 735 of the CARD14 protein (p.Ile735Ser). This variant is present in population databases (rs781185886, gnomAD 0.0009%). This variant has not been reported in the literature in individuals affected with CARD14-related conditions. ClinVar contains an entry for this variant (Variation ID: 1395599). Advanced modeling of protein sequence and biophysical properties (such as structural, functional, and spatial information, amino acid conservation, physicochemical variation, residue mobility, and thermodynamic stability) performed at Invitae indicates that this missense variant is expected to disrupt CARD14 protein function with a positive predictive value of 80%. In summary, the available evidence is currently insufficient to determine the role of this variant in disease. Therefore, it has been classified as a Variant of Uncertain Significance.

NM_001366385.1(CARD14):c.2204T>G (p.Ile735Ser)

Genes: CARD14 (caspase recruitment domain family member 14; plus strand), SGSH (N-sulfoglucosamine sulfohydrolase; minus strand). Cytogenetic location: 17q25.3.
Variant type: single nucleotide variant.
Coding change: c.2204T>G on transcript NM_001366385.1 (MANE Select); coding-DNA position 2204, T replaced by G.
Protein change: p.Ile735Ser; replaces isoleucine 735 with serine.
Molecular consequence: missense variant. On other transcripts: non-coding transcript variant (1).
Genome position (GRCh38, 1-based): chr17:80,202,405, T>G. VCF-style: chr17-80202405-T-G. GRCh37 (hg19) VCF-style: chr17-78176204-T-G.
Other names: c.2204T>G, p.Ile735Ser (NM_001257970.1, NM_024110.4); short protein forms I735S.
Identifiers: ClinVar variation 1395599 (VCV001395599.6), dbSNP rs781185886, ClinGen allele CA8817210.
Genomic context (GRCh38, chr17:80,202,405, plus strand): 5'-GCTGGCATGCCCACCGCGTGAACTCTTACACCATGAAGGATACTGCCGCGCACGGCACCA[T>G]CCCCAACTACTCCAGGTGAGCAGCTGCCTCGAGCTCGGTGCGTCCCCAGAGAGGCCCACA-3'
Protein context (NP_001353314.1, residues 725-745): TMKDTAAHGT[Ile735Ser]PNYSRAQQQL